The following is an entry in ClinVar:

NM_000179.3(MSH6):c.3804dup (p.Cys1269fs)

Gene: MSH6 (mutS homolog 6; plus strand). Cytogenetic location: 2p16.3.
Variant type: Duplication.
Coding change: c.3804dup on transcript NM_000179.3 (MANE Select); coding-DNA position 3804, one base duplicated (A; older notation c.3804dupA).
Protein change: p.Cys1269fs; shifts the reading frame from cysteine 1269.
Molecular consequence: frameshift variant.
Genome position (GRCh38, 1-based): chr2:47,806,454, A duplicated. VCF-style (leftmost placement, unchanged base first): chr2-47806453-C-CA. GRCh37 (hg19) VCF-style: chr2-48033592-C-CA.
Other names: c.2898dup, p.Cys967fs (NM_001281493.2, NM_001281494.2); c.3414dup, p.Cys1139fs (NM_001281492.2); c.3804dupA (NM_000179.2); short protein forms C1139fs, C967fs, C1269fs.
Identifiers: ClinVar variation 89469 (VCV000089469.26), dbSNP rs267608118, ClinGen allele CA014416.

ClinVar aggregate classification (germline): Pathogenic. Review status: reviewed by expert panel (3 of 4 stars). 9 submissions from 9 submitters: Pathogenic (1). 8 of the submissions do not count toward it. Last evaluated 2013-09-05.

Conditions:
Lynch syndrome. Identifiers: Orphanet 144, MedGen C4552100, MONDO:0005835. Disease mechanism: loss of function.
Lynch syndrome 5 (LYNCH5). Also called: Colorectal cancer, hereditary nonpolyposis, type 5; Hereditary non-polyposis colorectal cancer, type 5. Identifiers: Orphanet 144, MedGen C1833477, MONDO:0013710, OMIM 614350. Disease mechanism: loss of function.
Hereditary cancer-predisposing syndrome. Also called: Tumor predisposition; Hereditary Cancer Syndrome; Hereditary neoplastic syndrome; Neoplastic Syndromes, Hereditary. Identifiers: Orphanet 140162, MedGen C0027672, MeSH D009386, MONDO:0015356.
Hereditary nonpolyposis colorectal neoplasms. Identifiers: MedGen C0009405, MeSH D003123.
Endometrial carcinoma. Also called: Endometrial carcinoma, somatic. Identifiers: MedGen C0476089, MONDO:0002447, OMIM 608089, HP:0012114.

Submissions (9):

International Society for Gastrointestinal Hereditary Tumours (InSiGHT)
Classification: Pathogenic for Lynch Syndrome. Last evaluated: 2013-09-05. Review status: reviewed by expert panel. Criteria: Guidelines v1.9. Collection method: research. Allele origin: germline.
Comment: Coding sequence variation resulting in a stop codon

Classified with v1.9 guidelines

Labcorp Genetics (formerly Invitae), Labcorp
Classification: Pathogenic for Hereditary nonpolyposis colorectal neoplasms. Last evaluated: 2025-12-15. Review status: criteria provided, single submitter. Criteria: Invitae Variant Classification Sherloc (09022015). Collection method: clinical testing. Allele origin: germline. Not counted in ClinVar's aggregate classification.
Comment: This sequence change creates a premature translational stop signal (p.Cys1269Metfs*6) in the MSH6 gene. It is expected to result in an absent or disrupted protein product. Loss-of-function variants in MSH6 are known to be pathogenic (PMID: 18269114, 24362816). This variant is not present in population databases (gnomAD no frequency). This premature translational stop signal has been observed in individual(s) with Lynch syndrome (PMID: 20587412, 26483394). Invitae Evidence Modeling of clinical and family history, age, sex, and reported ancestry of multiple individuals with this MSH6 variant has been performed. This variant is expected to be pathogenic with a positive predictive value of at least 99%. This is a validated machine learning model that incorporates the clinical features of 1,627,235 individuals referred to our laboratory for MSH6 testing. ClinVar contains an entry for this variant (Variation ID: 89469). For these reasons, this variant has been classified as Pathogenic.

Ambry Genetics
Classification: Pathogenic for Hereditary cancer-predisposing syndrome. Last evaluated: 2025-04-07. Review status: criteria provided, single submitter. Criteria: Ambry Variant Classification Scheme 2023. Collection method: clinical testing. Allele origin: germline. Not counted in ClinVar's aggregate classification.
Comment: The c.3804dupA pathogenic mutation, located in coding exon 9 of the MSH6 gene, results from a duplication of A at nucleotide position 3804, causing a translational frameshift with a predicted alternate stop codon (p.C1269Mfs*6). This duplication has been reported in six Norwegian Lynch syndrome families and in a patient diagnosed with pancreatic cancer and endometrial cancer with a family history of colon and breast cancers (Sjursen W et al. J. Med. Genet. 2010 Sep; 47(9):579-85; Hu C et al. Cancer Epidemiol. Biomarkers Prev. 2016 Jan;25:207-11). This alteration has also been identified in an individual meeting Amsterdam criteria (Stormorken AT et al. J Clin Oncol, 2005 Jul;23:4705-12). This variant is considered to be rare based on population cohorts in the Genome Aggregation Database (gnomAD). In addition to the clinical data presented in the literature, this alteration is expected to result in loss of function by premature protein truncation or nonsense-mediated mRNA decay. As such, this alteration is interpreted as a disease-causing mutation.

ARUP Laboratories, Molecular Genetics and Genomics, ARUP Laboratories
Classification: Pathogenic. Last evaluated: 2025-03-27. Review status: criteria provided, single submitter. Criteria: ARUP Molecular Germline Variant Investigation Process 2024. Collection method: clinical testing. Allele origin: germline. Not counted in ClinVar's aggregate classification.
Comment: The MSH6 c.3804dup; p.Cys1269MetfsTer6 variant (rs267608118, ClinVar Variation ID: 89469) is reported in the literature in multiple families with colorectal (Sjursen 2010), pancreatic (Hu 2016, Hu 2018), and prostate cancer (Cheng 2023). This variant is absent from the Genome Aggregation Database (v2.1.1), indicating it is not a common polymorphism. This variant causes a frameshift by inserting a single nucleotide, so it is predicted to result in a truncated protein or mRNA subject to nonsense-mediated decay. Based on available information, this variant is considered to be pathogenic. References: Cheng HH et al. Internet-Based Germline Genetic Testing for Men With Metastatic Prostate Cancer. JCO Precis Oncol. 2023 Jan;7:e2200104. PMID: 36623239. Hu C et al. Prevalence of Pathogenic Mutations in Cancer Predisposition Genes among Pancreatic Cancer Patients. Cancer Epidemiol Biomarkers Prev. 2016 Jan;25(1):207-11. PMID: 26483394. Hu C et al. Association Between Inherited Germline Mutations in Cancer Predisposition Genes and Risk of Pancreatic Cancer. JAMA. 2018 Jun 19;319(23):2401-2409. PMID: 29922827. Sjursen W et al. Current clinical criteria for Lynch syndrome are not sensitive enough to identify MSH6 mutation carriers. J Med Genet. 2010 Sep;47(9):579-85. PMID: 20587412.

Quest Diagnostics Nichols Institute San Juan Capistrano
Classification: Pathogenic. Last evaluated: 2024-08-21. Review status: criteria provided, single submitter. Criteria: Quest Diagnostics criteria. Collection method: clinical testing. Allele origin: unknown. Not counted in ClinVar's aggregate classification.
Comment: The MSH6 c.3804dup (p.Cys1269Metfs*6) variant alters the translational reading frame of the MSH6 mRNA and causes the premature termination of MSH6 protein synthesis. This variant has been reported in the published literature in individuals and/or families with colorectal cancer (PMID: 16034045 (2005), 20587412 (2010)), pancreatic cancer (PMID: 29922827 (2018)) and prostate cancer (PMID: 36623239 (2023)). This variant has not been reported in large, multi-ethnic general populations (Genome Aggregation Database). ClinVar contains an entry for this variant (URL:, Variation ID: 89469). Based on the available information, this variant is classified as pathogenic. This variant has not been reported in large, multi-ethnic general populations (Genome Aggregation Database). Based on the available information, this variant is classified as pathogenic.

Baylor Genetics
Classification: Pathogenic for Endometrial carcinoma. Last evaluated: 2024-02-05. Review status: criteria provided, single submitter. Criteria: ACMG Guidelines, 2015. Collection method: clinical testing. Allele origin: unknown. Not counted in ClinVar's aggregate classification.

Myriad Genetics, Inc.
Classification: Pathogenic for Lynch syndrome 5. Last evaluated: 2023-08-25. Review status: criteria provided, single submitter. Criteria: Myriad Autosomal Dominant, Autosomal Recessive and X-Linked Classification Criteria (2023). Collection method: clinical testing. Allele origin: unknown. Not counted in ClinVar's aggregate classification.
Comment: This variant is considered pathogenic. This variant creates a frameshift predicted to result in premature protein truncation.

Color Diagnostics, LLC DBA Color Health
Classification: Pathogenic for Hereditary cancer-predisposing syndrome. Last evaluated: 2020-01-15. Review status: criteria provided, single submitter. Criteria: ACMG Guidelines, 2015. Collection method: clinical testing. Allele origin: germline. Not counted in ClinVar's aggregate classification.
Comment: This variant is located in the MSH6 protein. Splice site prediction tools suggest that this variant may not impact RNA splicing. This variant has not been identified in the general population by the Genome Aggregation Database (gnomAD). Loss of MSH6 function is a known mechanism of disease. Based on the available evidence, this variant is classified as Pathogenic.

GeneDx
Classification: Pathogenic. Last evaluated: 2016-10-14. Review status: criteria provided, single submitter. Criteria: GeneDx Variant Classification (06012015). Collection method: clinical testing. Allele origin: germline. Affected: yes. Not counted in ClinVar's aggregate classification.
Comment: This duplication of one nucleotide in MSH6 is denoted c.3804dupA at the cDNA level and p.Cys1269MetfsX6 (C1269MfsX6) at the protein level. The normal sequence, with the base that is duplicated in braces, is agGC[A]TGCA, where the capital letters are exonic and the lower case are intronic. The duplication causes a frameshift which changes a Cysteine to a Methionine at codon 1269, and creates a premature stop codon at position 6 of the new reading frame. This variant is predicted to cause loss of normal protein function through either protein truncation or nonsense-mediated mRNA decay. MSH6 c.3804dupA has been identified in individuals with Hereditary Nonpolyposis Colorectal Cancer (HNPCC) (Stormorken 2005, Sjursen 2010). We consider this variant to be pathogenic.

Literature cited by the submitters: PubMed 18269114 (cited by Labcorp Genetics (formerly Invitae), Labcorp); PubMed 24362816 (cited by Labcorp Genetics (formerly Invitae), Labcorp); PubMed 20587412 (cited by 3 submitters); PubMed 26483394 (cited by Labcorp Genetics (formerly Invitae), Labcorp and Ambry Genetics); PubMed 16034045 (cited by Ambry Genetics and Quest Diagnostics Nichols Institute San Juan Capistrano); PubMed 24689082 (cited by Ambry Genetics and Quest Diagnostics Nichols Institute San Juan Capistrano); PubMed 36623239 (cited by Quest Diagnostics Nichols Institute San Juan Capistrano); PubMed 29922827 (cited by Quest Diagnostics Nichols Institute San Juan Capistrano); PubMed 30787465 (cited by Quest Diagnostics Nichols Institute San Juan Capistrano).